The following is an entry in ClinVar:

ClinVar aggregate classification (germline): Uncertain significance (1 of 4 stars; one submission).

Submission:

Dasa
Classification: Uncertain significance. Last evaluated: 2025-01-07. Review status: criteria provided, single submitter. Criteria: DASA Assertion Criteria. Collection method: clinical testing. Allele origin: germline.
Comment: NM_001375654.1(RP1):c.2473del (p.Ile825Tyrfs*37) is a frameshift variant in RP1 predicted to alter the reading frame and introduce a premature termination codon. This variant is rare in population databases. The currently available literature and clinical evidence are not sufficient to establish a definitive association between this variant and the reported condition. Therefore, this variant is classified as a variant of uncertain significance.

NM_001375654.1(RP1):c.2473del (p.Ile825fs)

Gene: RP1 (RP1 axonemal microtubule associated; plus strand). Cytogenetic location: 8q12.1.
Variant type: Deletion.
Coding change: c.2473del on transcript NM_001375654.1; coding-DNA position 2473, one base deleted (A; older notation c.2473delA).
Protein change: p.Ile825fs; shifts the reading frame from isoleucine 825.
Molecular consequence: frameshift variant.
Genome position (GRCh38, 1-based): chr8:54,726,428, A deleted; the last of 7 consecutive A bases (chr8:54,726,422-54,726,428); deleting any one gives the same sequence. VCF-style (leftmost placement, unchanged base first): chr8-54726421-GA-G. GRCh37 (hg19) VCF-style: chr8-55638981-GA-G.
Other names: short protein forms I825fs.
Identifiers: ClinVar variation 4883872 (VCV004883872.2).